The following is an entry in ClinVar:

NM_206926.2(SELENON):c.1242C>T (p.His414=)

Gene: SELENON (selenoprotein N; plus strand). Cytogenetic location: 1p36.11.
Variant type: single nucleotide variant.
Coding change: c.1242C>T on transcript NM_206926.2 (MANE Select); coding-DNA position 1242, C replaced by T.
Protein change: p.His414=; no amino-acid change (histidine 414 retained).
Molecular consequence: synonymous variant.
Genome position (GRCh38, 1-based): chr1:25,812,749, C>T. VCF-style: chr1-25812749-C-T. GRCh37 (hg19) VCF-style: chr1-26139240-C-T.
Other names: c.1344C>T, p.His448= (NM_020451.3).
Identifiers: ClinVar variation 749053 (VCV000749053.32), dbSNP rs752098351, ClinGen allele CA696832.

ClinVar aggregate classification (germline): Likely benign. Review status: criteria provided, multiple submitters, no conflicts (2 of 4 stars). 3 submissions from 3 submitters: Likely benign (3). Last evaluated 2026-01-09.

Conditions:
Eichsfeld type congenital muscular dystrophy (CMYO3). Also called: SELENON-related myopathy; Congenital myopathy 3 with rigid spine; Rigid spine muscular dystrophy 1; MYOPATHY, SEPN1-RELATED. Identifiers: MedGen C0410180, MONDO:0100100, OMIM 602771.

Allele frequency attached by ClinVar (database versions not stated): TOPMed 0.00004; ExAC 0.00005; gnomAD 0.00005; gnomAD exomes 0.00005 and 0.00010.
gnomAD v4.1: 151 of 1,613,548 alleles (0.0094%); highest among the groups gnomAD compares: Non-Finnish European, 0.012%; no homozygotes.

Submissions (3):

Labcorp Genetics (formerly Invitae), Labcorp
Classification: Likely benign for Eichsfeld type congenital muscular dystrophy. Last evaluated: 2026-01-09. Review status: criteria provided, single submitter. Criteria: Invitae Variant Classification Sherloc (09022015). Collection method: clinical testing. Allele origin: germline.

Blueprint Genetics
Classification: Likely benign. Last evaluated: 2024-04-15. Review status: criteria provided, single submitter. Criteria: ACMG Guidelines, 2015. Collection method: clinical testing. Allele origin: germline.

CeGaT Center for Human Genetics Tuebingen
Classification: Likely benign. Last evaluated: 2024-01-01. Review status: criteria provided, single submitter. Criteria: CeGaT Center For Human Genetics Tuebingen Variant Classification Criteria Version 2. Collection method: clinical testing. Allele origin: germline. Affected: yes. Observed: 1 variant allele.
Comment: SELENON: BP4, BP7